The following is an entry in ClinVar:

ClinVar aggregate classification (germline): Benign. Review status: criteria provided, multiple submitters, no conflicts (2 of 4 stars). 2 submissions from 2 submitters: Benign (2). Last evaluated 2018-01-12.

Conditions:
Fanconi anemia complementation group P. Also called: SLX4-Related Fanconi Anemia. Identifiers: Orphanet 84, MedGen C3469542, MONDO:0013499, OMIM 613951.

Allele frequency attached by ClinVar (database versions not stated): gnomAD exomes 0.00026; gnomAD 0.01690 and 0.01840; 1000 Genomes Project 0.01797; 1000 Genomes Project 30x 0.01905; TOPMed 0.01930.
gnomAD v4.1: 2,552 of 156,256 alleles (1.6%); highest among the groups gnomAD compares: African/African-American, 5.8%; 90 homozygotes.

Submissions (2):

Illumina Laboratory Services, Illumina
Classification: Benign for Fanconi anemia complementation group P. Last evaluated: 2018-01-12. Review status: criteria provided, single submitter. Criteria: ICSL Variant Classification Criteria 13 December 2019. Collection method: clinical testing. Allele origin: germline.
Comment: This variant was observed in the ICSL laboratory as part of a predisposition screen in an ostensibly healthy population. It had not been previously curated by ICSL or reported in the Human Gene Mutation Database (HGMD: prior to June 1st, 2018), and was therefore a candidate for classification through an automated scoring system. Utilizing variant allele frequency, disease prevalence and penetrance estimates, and inheritance mode, an automated score was calculated to assess if this variant is too frequent to cause the disease. Based on the score and internal cut-off values, a variant classified as benign is not then subjected to further curation. The score for this variant resulted in a classification of benign for this disease.

Breakthrough Genomics
Classification: Benign. Review status: criteria provided, single submitter. Criteria: ACMG Guidelines, 2015. Collection method: not provided. Allele origin: germline. Inheritance: Autosomal recessive inheritance. Affected: yes.

NM_032444.4(SLX4):c.*655G>A

Gene: SLX4 (SLX4 structure-specific endonuclease subunit; minus strand). Cytogenetic location: 16p13.3.
Variant type: single nucleotide variant.
Coding change: c.*655G>A on transcript NM_032444.4 (MANE Select); 655 bases downstream of the stop codon, G replaced by A.
Molecular consequence: 3 prime UTR variant.
Genome position (GRCh38, 1-based): chr16:3,581,687, C>T on the plus strand (G>A on the coding strand, the complement: SLX4 is on the minus strand). VCF-style: chr16-3581687-C-T. GRCh37 (hg19) VCF-style: chr16-3631688-C-T.
Other names: c.*655G>A (LRG_503t1).
Identifiers: ClinVar variation 319132 (VCV000319132.6), dbSNP rs116003727, ClinGen allele CA10637704.